The following is an entry in ClinVar:

ClinVar aggregate classification (germline): Uncertain significance (1 of 4 stars; one submission).

gnomAD v4.1: 11 of 1,613,862 alleles (0.00068%); highest among the groups gnomAD compares: East Asian, 0.0089%; no homozygotes.

Submission:

Dasa
Classification: Uncertain significance. Last evaluated: 2025-07-05. Review status: criteria provided, single submitter. Criteria: DASA Assertion Criteria. Collection method: clinical testing. Allele origin: germline.
Comment: NM_152703.5(SAMD9L):c.209G>A (p.Arg70His) is a missense variant that results in the substitution of arginine with histidine. This variant is rare in population databases. Computational prediction algorithms are consistent with a benign effect. The currently available literature and clinical evidence are not sufficient to establish a definitive association between this variant and the reported condition. Therefore, this variant is classified as a variant of uncertain significance.

NM_152703.5(SAMD9L):c.209G>A (p.Arg70His)

Gene: SAMD9L (sterile alpha motif domain containing 9 like; minus strand). Cytogenetic location: 7q21.2.
Variant type: single nucleotide variant.
Coding change: c.209G>A on transcript NM_152703.5 (MANE Select); coding-DNA position 209, G replaced by A.
Protein change: p.Arg70His; replaces arginine 70 with histidine.
Molecular consequence: missense variant.
Genome position (GRCh38, 1-based): chr7:93,135,763, C>T on the plus strand (G>A on the coding strand, the complement: SAMD9L is on the minus strand). VCF-style: chr7-93135763-C-T. GRCh37 (hg19) VCF-style: chr7-92765076-C-T.
Other names: c.209G>A, p.Arg70His (NM_001303496.3, NM_001303497.3, NM_001303498.3 and 5 more transcripts); short protein forms R70H.
Identifiers: ClinVar variation 4881270 (VCV004881270.2).
Genomic context (GRCh38, chr7:93,135,763, plus strand): 5'-AATTGTCCCGGATCATGATTGTCACTTTCAGGGGACTTACTATTCAATTTGTTGTATGAA[C>T]GTTTTATCAAAAGTGCTGGACCCCATGGTAGCCCCATTTCTACAAGGTCCTTCTCAGTTA-3'
Protein context (NP_689916.2, residues 60-80): LPWGPALLIK[Arg70His]SYNKLNSKSP